The following is an entry in ClinVar:

NM_013447.4(ADGRE2):c.533C>A (p.Thr178Asn)

Gene: ADGRE2 (adhesion G protein-coupled receptor E2; minus strand). Cytogenetic location: 19p13.12.
Variant type: single nucleotide variant.
Coding change: c.533C>A on transcript NM_013447.4 (MANE Select); coding-DNA position 533, C replaced by A.
Protein change: p.Thr178Asn; replaces threonine 178 with asparagine.
Molecular consequence: missense variant.
Genome position (GRCh38, 1-based): chr19:14,766,336, G>T on the plus strand (C>A on the coding strand, the complement: ADGRE2 is on the minus strand). VCF-style: chr19-14766336-G-T. GRCh37 (hg19) VCF-style: chr19-14877148-G-T.
Other names: c.533C>A, p.Thr178Asn (NM_001271052.1); short protein forms T178N.
Identifiers: ClinVar variation 786349 (VCV000786349.7), dbSNP rs61732009, ClinGen allele CA9258098.

ClinVar aggregate classification (germline): Benign. Review status: criteria provided, multiple submitters, no conflicts (2 of 4 stars). 3 submissions from 3 submitters: Benign (2). 1 of the submissions does not count toward it. Last evaluated 2019-12-31.

Conditions:
ADGRE2-related disorder. Also called: ADGRE2-related condition.

Allele frequency attached by ClinVar (database versions not stated): ESP Exome Variant Server 0.00723; gnomAD 0.00885 and 0.00820; TOPMed 0.00956; 1000 Genomes Project 30x 0.00999; 1000 Genomes Project 0.00958.
gnomAD v4.1: 2,537 of 1,614,076 alleles (0.16%); highest among the groups gnomAD compares: African/African-American, 2.8%; 43 homozygotes.

Submissions (3):

Labcorp Genetics (formerly Invitae), Labcorp
Classification: Benign. Last evaluated: 2019-12-31. Review status: criteria provided, single submitter. Criteria: Invitae Variant Classification Sherloc (09022015). Collection method: clinical testing. Allele origin: germline.

Breakthrough Genomics
Classification: Benign. Review status: criteria provided, single submitter. Criteria: ACMG Guidelines, 2015. Collection method: not provided. Allele origin: germline. Inheritance: Autosomal dominant inheritance. Affected: yes.

PreventionGenetics, part of Exact Sciences
Classification: Benign for ADGRE2-related condition. Last evaluated: 2019-10-31. Review status: no assertion criteria provided. Collection method: clinical testing. Allele origin: germline. Not counted in ClinVar's aggregate classification.
Comment: This variant is classified as benign based on ACMG/AMP sequence variant interpretation guidelines (Richards et al. 2015 PMID: 25741868, with internal and published modifications).